The following is an entry in ClinVar:

NM_001166108.2(PALLD):c.1050C>G (p.Ser350Arg)

Gene: PALLD (palladin, cytoskeletal associated protein; plus strand). Cytogenetic location: 4q32.3.
Variant type: single nucleotide variant.
Coding change: c.1050C>G on transcript NM_001166108.2 (MANE Select); coding-DNA position 1050, C replaced by G.
Protein change: p.Ser350Arg; replaces serine 350 with arginine.
Molecular consequence: missense variant. On other transcripts: 5 prime UTR variant (1).
Genome position (GRCh38, 1-based): chr4:168,668,331, C>G. VCF-style: chr4-168668331-C-G. GRCh37 (hg19) VCF-style: chr4-169589482-C-G.
Other names: c.-97C>G (NM_001166109.2); c.1050C>G, p.Ser350Arg (NM_016081.4); short protein forms S350R.
Identifiers: ClinVar variation 1776905 (VCV001776905.2), dbSNP rs569927452, ClinGen allele CA358793884.
Genomic context (GRCh38, chr4:168,668,331, plus strand): 5'-CATAGCAGAGGCCTTTGAGGACGACACAGGTCGCTACACCTGTTTGGCTACGAATCCCAG[C>G]GGCTCAGACACAACATCTGCTGAGGTGTTCATTGAAGGTAAGGAGGGGTGCCTGGTAATG-3'
Protein context (NP_001159580.1, residues 340-360): GRYTCLATNP[Ser350Arg]GSDTTSAEVF

ClinVar aggregate classification (germline): Uncertain significance (1 of 4 stars; one submission).

Submission:

Ambry Genetics
Classification: Uncertain significance. Last evaluated: 2022-03-14. Review status: criteria provided, single submitter. Criteria: Ambry Variant Classification Scheme 2023. Collection method: clinical testing. Allele origin: germline.
Comment: The p.S350R variant (also known as c.1050C>G), located in coding exon 2 of the PALLD gene, results from a C to G substitution at nucleotide position 1050. The serine at codon 350 is replaced by arginine, an amino acid with dissimilar properties. This amino acid position is conserved. In addition, this alteration is predicted to be tolerated by in silico analysis. Since supporting evidence is limited at this time, the clinical significance of this alteration remains unclear.